The following is an entry in ClinVar:

ClinVar aggregate classification (germline): Uncertain significance (1 of 4 stars; one submission).

Submission:

Labcorp Genetics (formerly Invitae), Labcorp
Classification: Uncertain significance. Last evaluated: 2019-10-13. Review status: criteria provided, single submitter. Criteria: Invitae Variant Classification Sherloc (09022015). Collection method: clinical testing. Allele origin: germline.
Comment: This variant has not been reported in the literature in individuals with EXOSC2-related conditions. In summary, the available evidence is currently insufficient to determine the role of this variant in disease. Therefore, it has been classified as a Variant of Uncertain Significance. Algorithms developed to predict the effect of missense changes on protein structure and function (SIFT, PolyPhen-2, Align-GVGD) all suggest that this variant is likely to be tolerated, but these predictions have not been confirmed by published functional studies and their clinical significance is uncertain. This variant is not present in population databases (ExAC no frequency). This sequence change replaces glutamic acid with alanine at codon 210 of the EXOSC2 protein (p.Glu210Ala). The glutamic acid residue is moderately conserved and there is a moderate physicochemical difference between glutamic acid and alanine.

NM_014285.7(EXOSC2):c.629A>C (p.Glu210Ala)

Gene: EXOSC2 (exosome component 2; plus strand). Cytogenetic location: 9q34.12.
Variant type: single nucleotide variant.
Coding change: c.629A>C on transcript NM_014285.7 (MANE Select); coding-DNA position 629, A replaced by C.
Protein change: p.Glu210Ala; replaces glutamic acid 210 with alanine.
Molecular consequence: missense variant. On other transcripts: non-coding transcript variant (1).
Genome position (GRCh38, 1-based): chr9:130,702,267, A>C. VCF-style: chr9-130702267-A-C. GRCh37 (hg19) VCF-style: chr9-133577654-A-C.
Other names: c.551A>C, p.Glu184Ala (NM_001282708.1); c.539A>C, p.Glu180Ala (NM_001282709.1); short protein forms E184A, E180A, E210A.
Identifiers: ClinVar variation 966809 (VCV000966809.9), dbSNP rs1831233765, ClinGen allele CA375248075.